The following is an entry in ClinVar:

ClinVar aggregate classification (germline): Uncertain significance (1 of 4 stars; one submission).

gnomAD v4.1: 27 of 1,597,178 alleles (0.0017%); highest among the groups gnomAD compares: South Asian, 0.025%; no homozygotes.

Submission:

Ambry Genetics
Classification: Uncertain significance. Last evaluated: 2025-02-08. Review status: criteria provided, single submitter. Criteria: Ambry Variant Classification Scheme 2023. Collection method: clinical testing. Allele origin: germline.
Comment: The p.P746A variant (also known as c.2236C>G), located in coding exon 10 of the WNK2 gene, results from a C to G substitution at nucleotide position 2236. The proline at codon 746 is replaced by alanine, an amino acid with highly similar properties. This amino acid position is conserved. In addition, this alteration is predicted to be tolerated by in silico analysis. Based on the available evidence, the clinical significance of this variant remains unclear.

NM_006648.4(WNK2):c.2236C>G (p.Pro746Ala)

Gene: WNK2 (WNK lysine deficient protein kinase 2; plus strand). Cytogenetic location: 9q22.31.
Variant type: single nucleotide variant.
Coding change: c.2236C>G on transcript NM_006648.4 (MANE Select); coding-DNA position 2236, C replaced by G.
Protein change: p.Pro746Ala; replaces proline 746 with alanine.
Molecular consequence: missense variant.
Genome position (GRCh38, 1-based): chr9:93,256,993, C>G. VCF-style: chr9-93256993-C-G. GRCh37 (hg19) VCF-style: chr9-96019275-C-G.
Other names: c.2236C>G, p.Pro746Ala (NM_001282394.3); short protein forms P746A.
Identifiers: ClinVar variation 3817026 (VCV003817026.1).